The following is an entry in ClinVar:

NM_015158.5(KANK1):c.1995G>A (p.Val665=)

Gene: KANK1 (KN motif and ankyrin repeat domains 1; plus strand). Cytogenetic location: 9p24.3.
Variant type: single nucleotide variant.
Coding change: c.1995G>A on transcript NM_015158.5 (MANE Select); coding-DNA position 1995, G replaced by A.
Protein change: p.Val665=; no amino-acid change (valine 665 retained).
Molecular consequence: synonymous variant. On other transcripts: non-coding transcript variant (1).
Genome position (GRCh38, 1-based): chr9:712,761, G>A. VCF-style: chr9-712761-G-A. GRCh37 (hg19) VCF-style: chr9-712761-G-A.
Other names: c.1995G>A (NM_015158.3); c.1995G>A, p.Val665= (NM_001256876.3, NM_001256877.3, NM_001354331.2 and 2 more transcripts); c.1521G>A, p.Val507= (NM_001354333.2, NM_001354335.2, NM_001354336.2 and 9 more transcripts).
Identifiers: ClinVar variation 1558692 (VCV001558692.10), dbSNP rs202056007, ClinGen allele CA4960390.

ClinVar aggregate classification (germline): Likely benign. Review status: criteria provided, single submitter (1 of 4 stars). 2 submissions from 2 submitters: Likely benign (1). 1 of the submissions does not count toward it. Last evaluated 2024-03-19.

Conditions:
KANK1-related disorder. Also called: KANK1-related condition.

Allele frequency attached by ClinVar (database versions not stated): gnomAD 0.00001 and 0.00002; gnomAD exomes 0.00003 and 0.00016; TOPMed 0.00003; ExAC 0.00017; 1000 Genomes Project 0.00020; 1000 Genomes Project 30x 0.00031.
gnomAD v4.1: 46 of 1,613,862 alleles (0.0029%); highest among the groups gnomAD compares: Admixed American, 0.068%; no homozygotes.

Submissions (2):

Labcorp Genetics (formerly Invitae), Labcorp
Classification: Likely benign. Last evaluated: 2024-03-19. Review status: criteria provided, single submitter. Criteria: Invitae Variant Classification Sherloc (09022015). Collection method: clinical testing. Allele origin: germline.

PreventionGenetics, part of Exact Sciences
Classification: Likely benign for KANK1-related condition. Last evaluated: 2019-03-15. Review status: no assertion criteria provided. Collection method: clinical testing. Allele origin: germline. Not counted in ClinVar's aggregate classification.
Comment: This variant is classified as likely benign based on ACMG/AMP sequence variant interpretation guidelines (Richards et al. 2015 PMID: 25741868, with internal and published modifications).